The following is an entry in ClinVar:

ClinVar aggregate classification (germline): Pathogenic (1 of 4 stars; one submission).

Conditions:
Joubert syndrome and related disorders. Identifiers: Orphanet 140874, MedGen C5679612, MONDO:0015369.

Submission:

Women's Health and Genetics/Laboratory Corporation of America, LabCorp
Classification: Pathogenic for Joubert syndrome and related disorders. Last evaluated: 2023-10-16. Review status: criteria provided, single submitter. Criteria: LabCorp Variant Classification Summary - May 2015. Collection method: clinical testing. Allele origin: germline.
Comment: Variant summary: CPLANE1 c.3176delC (p.Pro1059HisfsX4) results in a premature termination codon, predicted to cause absence of the protein due to nonsense mediated decay, which is a commonly known mechanism for disease. The variant was absent in 152992 control chromosomes. To our knowledge, no occurrence of c.3176delC in individuals affected with Joubert Syndrome And Related Disorders and no experimental evidence demonstrating its impact on protein function have been reported. No submitters have cited clinical-significance assessments for this variant to ClinVar after 2014. Based on the evidence outlined above, the variant was classified as pathogenic.

NM_001384732.1(CPLANE1):c.3176del (p.Pro1059fs)

Gene: CPLANE1 (ciliogenesis and planar polarity effector complex subunit 1; minus strand). Cytogenetic location: 5p13.2.
Variant type: Deletion.
Coding change: c.3176del on transcript NM_001384732.1 (MANE Select); coding-DNA position 3176, one base deleted (C; older notation c.3176delC).
Protein change: p.Pro1059fs; shifts the reading frame from proline 1059.
Molecular consequence: frameshift variant.
Genome position (GRCh38, 1-based): chr5:37,205,428, G deleted on the plus strand (C on the coding strand, the reverse complement: CPLANE1 is on the minus strand); the first of 2 consecutive G bases (chr5:37,205,428-37,205,429); deleting either gives the same sequence. VCF-style (leftmost placement, unchanged base first): chr5-37205427-TG-T. GRCh37 (hg19) VCF-style: chr5-37205529-TG-T.
Other names: c.3176delC (NM_023073.4); c.3176del, p.Pro1059fs (NM_023073.4); short protein forms P1059fs.
Identifiers: ClinVar variation 2637762 (VCV002637762.1), dbSNP rs2548219251, ClinGen allele CA2695198598.